The following is an entry in ClinVar:

NM_014236.4(GNPAT):c.1763del (p.Leu587_Leu588insTer)

Gene: GNPAT (glyceronephosphate O-acyltransferase; plus strand). Cytogenetic location: 1q42.2.
Variant type: Deletion.
Coding change: c.1763del on transcript NM_014236.4 (MANE Select); coding-DNA position 1763, one base deleted (T; older notation c.1763delT).
Protein change: p.Leu587_Leu588insTer.
Molecular consequence: nonsense.
Genome position (GRCh38, 1-based): chr1:231,275,240, T deleted; the last of 4 consecutive T bases (chr1:231,275,237-231,275,240); deleting any one gives the same sequence. VCF-style (leftmost placement, unchanged base first): chr1-231275236-CT-C. GRCh37 (hg19) VCF-style: chr1-231410982-CT-C.
Other names: c.1580del, p.Leu526_Leu527insTer (NM_001316350.2).
Identifiers: ClinVar variation 2826633 (VCV002826633.3), dbSNP rs1685679145, ClinGen allele CA1013272868.

ClinVar aggregate classification (germline): Pathogenic (1 of 4 stars; one submission).

Submission:

Labcorp Genetics (formerly Invitae), Labcorp
Classification: Pathogenic. Last evaluated: 2023-09-08. Review status: criteria provided, single submitter. Criteria: Invitae Variant Classification Sherloc (09022015). Collection method: clinical testing. Allele origin: germline.
Comment: This sequence change creates a premature translational stop signal (p.Leu588*) in the GNPAT gene. It is expected to result in an absent or disrupted protein product. Loss-of-function variants in GNPAT are known to be pathogenic (PMID: 9536089, 21990100). This variant is not present in population databases (gnomAD no frequency). This variant has not been reported in the literature in individuals affected with GNPAT-related conditions. For these reasons, this variant has been classified as Pathogenic.

Literature cited by the submitters: PubMed 9536089; PubMed 21990100.